The following is an entry in ClinVar:

NM_000548.5(TSC2):c.1284C>T (p.Ser428=)

Gene: TSC2 (TSC complex subunit 2; plus strand). Cytogenetic location: 16p13.3.
Variant type: single nucleotide variant.
Coding change: c.1284C>T on transcript NM_000548.5 (MANE Select); coding-DNA position 1284, C replaced by T.
Protein change: p.Ser428=; no amino-acid change (serine 428 retained).
Molecular consequence: synonymous variant.
Genome position (GRCh38, 1-based): chr16:2,062,523, C>T. VCF-style: chr16-2062523-C-T. GRCh37 (hg19) VCF-style: chr16-2112524-C-T.
Other names: c.1284C>T, p.Ser428= (NM_001077183.3, NM_001114382.3, NM_001363528.2 and 3 more transcripts); c.1173C>T, p.Ser391= (NM_001318827.2); c.1137C>T, p.Ser379= (NM_001318829.2); c.684C>T, p.Ser228= (NM_001318831.2); c.1317C>T, p.Ser439= (NM_001318832.2).
Identifiers: ClinVar variation 1080211 (VCV001080211.14), dbSNP rs1325874616, ClinGen allele CA492962397.

ClinVar aggregate classification (germline): Conflicting classifications of pathogenicity. Review status: criteria provided, conflicting classifications (1 of 4 stars). 4 submissions from 4 submitters: Uncertain significance (1); Benign (1); Likely benign (2). Last evaluated 2025-08-20.

Conditions:
Hereditary cancer-predisposing syndrome. Also called: Hereditary Cancer Syndrome; Neoplastic Syndromes, Hereditary; Tumor predisposition; Hereditary neoplastic syndrome. Identifiers: Orphanet 140162, MedGen C0027672, MeSH D009386, MONDO:0015356.
Tuberous sclerosis 2 (TSC2). Identifiers: Orphanet 805, MedGen C1860707, MONDO:0013199, OMIM 613254.

Allele frequency attached by ClinVar (database versions not stated): gnomAD exomes below 0.00001 and 0.00001; gnomAD 0.00001.
gnomAD v4.1: 4 of 1,612,038 alleles (0.00025%); highest among the groups gnomAD compares: South Asian, 0.0022%; no homozygotes.

Submissions (4):

Labcorp Genetics (formerly Invitae), Labcorp
Classification: Likely benign for Tuberous sclerosis 2. Last evaluated: 2025-08-20. Review status: criteria provided, single submitter. Criteria: Invitae Variant Classification Sherloc (09022015). Collection method: clinical testing. Allele origin: germline.

Myriad Genetics, Inc.
Classification: Benign for Tuberous sclerosis 2. Last evaluated: 2025-05-13. Review status: criteria provided, single submitter. Criteria: Myriad Autosomal Dominant, Autosomal Recessive and X-Linked Classification Criteria (2023). Collection method: clinical testing. Allele origin: unknown.
Comment: This variant is considered benign. This variant is a silent/synonymous amino acid change and it is not expected to impact splicing.

Ambry Genetics
Classification: Uncertain significance for Hereditary cancer-predisposing syndrome. Last evaluated: 2024-03-28. Review status: criteria provided, single submitter. Criteria: Ambry Variant Classification Scheme 2023. Collection method: clinical testing. Allele origin: germline.
Comment: The c.1284C>T variant (also known as p.S428S), located in coding exon 12 of the TSC2 gene, results from a C to T substitution at nucleotide position 1284. This nucleotide substitution does not change the serine at codon 428. This nucleotide position is not well conserved in available vertebrate species. In silico splice site analysis predicts that this alteration may result in the creation or strengthening of a novel splice acceptor site. RNA studies have demonstrated that this alteration results in an incomplete splice defect; the clinical impact of this abnormal splicing is unknown at this time (Ambry internal data). Since supporting evidence is limited at this time, the clinical significance of this alteration remains unclear.

Blueprint Genetics
Classification: Likely benign. Last evaluated: 2023-09-11. Review status: criteria provided, single submitter. Criteria: ACMG Guidelines, 2015. Collection method: clinical testing. Allele origin: germline.